The following is an entry in ClinVar:

NM_000179.3(MSH6):c.2761G>A (p.Ala921Thr)

Gene: MSH6 (mutS homolog 6; plus strand). Cytogenetic location: 2p16.3.
Variant type: single nucleotide variant.
Coding change: c.2761G>A on transcript NM_000179.3 (MANE Select); coding-DNA position 2761, G replaced by A.
Protein change: p.Ala921Thr; replaces alanine 921 with threonine.
Molecular consequence: missense variant.
Genome position (GRCh38, 1-based): chr2:47,800,744, G>A. VCF-style: chr2-47800744-G-A. GRCh37 (hg19) VCF-style: chr2-48027883-G-A.
Other names: c.2371G>A, p.Ala791Thr (NM_001281492.2); c.1855G>A, p.Ala619Thr (NM_001281493.2, NM_001281494.2, NM_001406811.1 and 6 more transcripts); c.2857G>A, p.Ala953Thr (NM_001406795.1, NM_001406802.1); c.2761G>A, p.Ala921Thr (NM_001406796.1, NM_001406798.1, NM_001406800.1 and 2 more transcripts); c.2464G>A, p.Ala822Thr (NM_001406797.1, NM_001406801.1, NM_001406805.1 and 10 more transcripts); c.2236G>A, p.Ala746Thr (NM_001406799.1, NM_001406806.1, NM_001406807.1); c.2683G>A, p.Ala895Thr (NM_001406804.1); c.2767G>A, p.Ala923Thr (NM_001406813.1); and 2 more; short protein forms A619T, A746T, A822T, A895T, A921T, A953T, A791T, A865T.
Identifiers: ClinVar variation 1795700 (VCV001795700.2), dbSNP rs2104422817, ClinGen allele CA346755444.

ClinVar aggregate classification (germline): Uncertain significance (1 of 4 stars; one submission).

Conditions:
Hereditary cancer-predisposing syndrome. Also called: Tumor predisposition; Hereditary Cancer Syndrome; Neoplastic Syndromes, Hereditary; Hereditary neoplastic syndrome. Identifiers: Orphanet 140162, MedGen C0027672, MeSH D009386, MONDO:0015356.

Submission:

Ambry Genetics
Classification: Uncertain significance for Hereditary cancer-predisposing syndrome. Last evaluated: 2021-01-22. Review status: criteria provided, single submitter. Criteria: Ambry Variant Classification Scheme 2023. Collection method: clinical testing. Allele origin: germline.
Comment: The p.A921T variant (also known as c.2761G>A), located in coding exon 4 of the MSH6 gene, results from a G to A substitution at nucleotide position 2761. The alanine at codon 921 is replaced by threonine, an amino acid with similar properties. This amino acid position is highly conserved in available vertebrate species. In addition, this alteration is predicted to be deleterious by in silico analysis. Since supporting evidence is limited at this time, the clinical significance of this alteration remains unclear.